The following is an entry in ClinVar:

NM_000179.3(MSH6):c.139del (p.Asp47fs)

Gene: MSH6 (mutS homolog 6; plus strand). Cytogenetic location: 2p16.3.
Variant type: Deletion.
Coding change: c.139del on transcript NM_000179.3 (MANE Select); coding-DNA position 139, one base deleted (G; older notation c.139delG).
Protein change: p.Asp47fs; shifts the reading frame from aspartic acid 47.
Molecular consequence: frameshift variant. On other transcripts: 5 prime UTR variant (1).
Genome position (GRCh38, 1-based): chr2:47,783,372, G deleted; the last of 4 consecutive G bases (chr2:47,783,369-47,783,372); deleting any one gives the same sequence. VCF-style (leftmost placement, unchanged base first): chr2-47783368-CG-C. GRCh37 (hg19) VCF-style: chr2-48010507-CG-C.
Other names: c.139del, p.Asp47fs (NM_001281492.2); c.-598del (NM_001281493.2); c.139delG, p.Asp47Metfs (NM_001406795.1, NM_001406796.1, NM_001406798.1 and 8 more transcripts); c.-190delG (NM_001406799.1); c.84delG, p.Met29Cysfs (NM_001406804.1); c.-790delG (NM_001406807.1); c.-598delG (NM_001406811.1); c.-445delG (NM_001406812.1); and 2 more; short protein forms D47fs.
Identifiers: ClinVar variation 1771735 (VCV001771735.2), dbSNP rs2530318416, ClinGen allele CA2580067049.

ClinVar aggregate classification (germline): Pathogenic (1 of 4 stars; one submission).

Conditions:
Hereditary cancer-predisposing syndrome. Also called: Hereditary Cancer Syndrome; Hereditary neoplastic syndrome; Neoplastic Syndromes, Hereditary; Tumor predisposition. Identifiers: Orphanet 140162, MedGen C0027672, MeSH D009386, MONDO:0015356.

Submission:

Ambry Genetics
Classification: Pathogenic for Hereditary cancer-predisposing syndrome. Last evaluated: 2018-11-26. Review status: criteria provided, single submitter. Criteria: Ambry Variant Classification Scheme 2023. Collection method: clinical testing. Allele origin: germline.
Comment: The c.139delG pathogenic mutation, located in coding exon 1 of the MSH6 gene, results from a deletion of one nucleotide at nucleotide position 139, causing a translational frameshift with a predicted alternate stop codon (p.D47Mfs*34). This alteration is expected to result in loss of function by premature protein truncation or nonsense-mediated mRNA decay. As such, this alteration is interpreted as a disease-causing mutation.